The following is an entry in ClinVar:

ClinVar aggregate classification (germline): Uncertain significance. Review status: criteria provided, multiple submitters, no conflicts (2 of 4 stars). 2 submissions from 2 submitters: Uncertain significance (2). Last evaluated 2024-04-22.

Conditions:
Neuroblastoma, susceptibility to, 3. Also called: ALK-Related Neuroblastic Tumor Susceptibility. Identifiers: Orphanet 635, MedGen C2751681, MONDO:0013083, OMIM 613014.
Hereditary cancer-predisposing syndrome. Also called: Hereditary neoplastic syndrome; Neoplastic Syndromes, Hereditary; Hereditary Cancer Syndrome; Tumor predisposition. Identifiers: Orphanet 140162, MedGen C0027672, MeSH D009386, MONDO:0015356.

Allele frequency attached by ClinVar (database versions not stated): gnomAD exomes below 0.00001.
gnomAD v4.1: 3 of 1,614,208 alleles (0.00019%); highest among the groups gnomAD compares: Non-Finnish European, 0.00025%; no homozygotes.

Submissions (2):

Ambry Genetics
Classification: Uncertain significance for Hereditary cancer-predisposing syndrome. Last evaluated: 2024-04-22. Review status: criteria provided, single submitter. Criteria: Ambry Variant Classification Scheme 2023. Collection method: clinical testing. Allele origin: germline.
Comment: The p.E797G variant (also known as c.2390A>G), located in coding exon 14 of the ALK gene, results from an A to G substitution at nucleotide position 2390. The glutamic acid at codon 797 is replaced by glycine, an amino acid with similar properties. This amino acid position is conserved. In addition, the in silico prediction for this alteration is inconclusive. Based on the available evidence, the clinical significance of this variant remains unclear.

Labcorp Genetics (formerly Invitae), Labcorp
Classification: Uncertain significance for Neuroblastoma, susceptibility to, 3. Last evaluated: 2023-09-20. Review status: criteria provided, single submitter. Criteria: Invitae Variant Classification Sherloc (09022015). Collection method: clinical testing. Allele origin: germline.
Comment: This sequence change replaces glutamic acid, which is acidic and polar, with glycine, which is neutral and non-polar, at codon 797 of the ALK protein (p.Glu797Gly). This variant is not present in population databases (gnomAD no frequency). This variant has not been reported in the literature in individuals affected with ALK-related conditions. An algorithm developed to predict the effect of missense changes on protein structure and function (PolyPhen-2) suggests that this variant is likely to be disruptive. In summary, the available evidence is currently insufficient to determine the role of this variant in disease. Therefore, it has been classified as a Variant of Uncertain Significance.

NM_004304.5(ALK):c.2390A>G (p.Glu797Gly)

Gene: ALK (ALK receptor tyrosine kinase; minus strand). Cytogenetic location: 2p23.2.
Variant type: single nucleotide variant.
Coding change: c.2390A>G on transcript NM_004304.5 (MANE Select); coding-DNA position 2390, A replaced by G.
Protein change: p.Glu797Gly; replaces glutamic acid 797 with glycine.
Molecular consequence: missense variant.
Genome position (GRCh38, 1-based): chr2:29,233,662, T>C on the plus strand (A>G on the coding strand, the complement: ALK is on the minus strand). VCF-style: chr2-29233662-T-C. GRCh37 (hg19) VCF-style: chr2-29456528-T-C.
Other names: c.2390A>G (NM_004304.4); short protein forms E797G.
Identifiers: ClinVar variation 2723277 (VCV002723277.4), dbSNP rs2465989920, ClinGen allele CA346472446.